The following is an entry in ClinVar:

NM_004100.5(EYA4):c.979G>C (p.Asp327His)

Gene: EYA4 (EYA transcriptional coactivator and phosphatase 4; plus strand). Cytogenetic location: 6q23.2.
Variant type: single nucleotide variant.
Coding change: c.979G>C on transcript NM_004100.5 (MANE Select); coding-DNA position 979, G replaced by C.
Protein change: p.Asp327His; replaces aspartic acid 327 with histidine.
Molecular consequence: missense variant.
Genome position (GRCh38, 1-based): chr6:133,481,471, G>C. VCF-style: chr6-133481471-G-C. GRCh37 (hg19) VCF-style: chr6-133802609-G-C.
Other names: c.817G>C, p.Asp273His (NM_001301012.2); c.997G>C, p.Asp333His (NM_001301013.2); c.910G>C, p.Asp304His (NM_001370458.1, NM_172103.4); c.835G>C, p.Asp279His (NM_001370459.1); c.979G>C, p.Asp327His (NM_172105.4); short protein forms D333H, D304H, D327H, D273H, D279H.
Identifiers: ClinVar variation 962981 (VCV000962981.11), dbSNP rs144415484, ClinGen allele CA365706313.

ClinVar aggregate classification (germline): Uncertain significance. Review status: criteria provided, multiple submitters, no conflicts (2 of 4 stars). 2 submissions from 2 submitters: Uncertain significance (2). Last evaluated 2020-08-21.

Conditions:
Dilated cardiomyopathy 1J (CMD1J). Also called: CARDIOMYOPATHY, DILATED, WITH SENSORINEURAL HEARING LOSS, AUTOSOMAL DOMINANT. Identifiers: Orphanet 217622, MedGen C1854368, MONDO:0011541, OMIM 605362.

gnomAD v4.1: 1 of 1,613,760 alleles (0.000062%); highest among the groups gnomAD compares: East Asian, 0.0022%; no homozygotes.

Submissions (2):

GeneDx
Classification: Uncertain significance. Last evaluated: 2020-08-21. Review status: criteria provided, single submitter. Criteria: GeneDx Variant Classification Process June 2021. Collection method: clinical testing. Allele origin: germline. Affected: yes.
Comment: Not observed in large population cohorts (Lek et al., 2016); In silico analysis, which includes protein predictors and evolutionary conservation, supports that this variant does not alter protein structure/function; In-silico analysis, which includes splice predictors and evolutionary conservation, is inconclusive as to whether the variant alters gene splicing. In the absence of RNA/functional studies, the actual effect of this sequence change is unknown.; Has not been previously published as pathogenic or benign to our knowledge

Labcorp Genetics (formerly Invitae), Labcorp
Classification: Uncertain significance for Dilated cardiomyopathy 1J. Last evaluated: 2019-10-09. Review status: criteria provided, single submitter. Criteria: Invitae Variant Classification Sherloc (09022015). Collection method: clinical testing. Allele origin: germline.
Comment: This variant has not been reported in the literature in individuals with EYA4-related conditions. This variant is not present in population databases (ExAC no frequency). This sequence change replaces aspartic acid with histidine at codon 327 of the EYA4 protein (p.Asp327His). The aspartic acid residue is moderately conserved and there is a moderate physicochemical difference between aspartic acid and histidine. Algorithms developed to predict the effect of missense changes on protein structure and function are either unavailable or do not agree on the potential impact of this missense change (SIFT: "Tolerated"; PolyPhen-2: "Probably Damaging"; Align-GVGD: "Class C0"). In summary, the available evidence is currently insufficient to determine the role of this variant in disease. Therefore, it has been classified as a Variant of Uncertain Significance.